The following is an entry in ClinVar:

NM_020754.4(ARHGAP31):c.3659G>A (p.Ser1220Asn)

Gene: ARHGAP31 (Rho GTPase activating protein 31; plus strand). Cytogenetic location: 3q13.33.
Variant type: single nucleotide variant.
Coding change: c.3659G>A on transcript NM_020754.4 (MANE Select); coding-DNA position 3659, G replaced by A.
Protein change: p.Ser1220Asn; replaces serine 1220 with asparagine.
Molecular consequence: missense variant.
Genome position (GRCh38, 1-based): chr3:119,415,588, G>A. VCF-style: chr3-119415588-G-A. GRCh37 (hg19) VCF-style: chr3-119134435-G-A.
Other names: short protein forms S1220N.
Identifiers: ClinVar variation 2577134 (VCV002577134.1), dbSNP rs769613723, ClinGen allele CA81698468.

ClinVar aggregate classification (germline): Uncertain significance (1 of 4 stars; one submission).

Allele frequency attached by ClinVar (database versions not stated): gnomAD 0.00001; gnomAD exomes 0.00001; TOPMed 0.00001.
gnomAD v4.1: 14 of 1,614,066 alleles (0.00087%); highest among the groups gnomAD compares: African/African-American, 0.0013%; no homozygotes.

Submission:

Women's Health and Genetics/Laboratory Corporation of America, LabCorp
Classification: Uncertain significance. Last evaluated: 2023-07-26. Review status: criteria provided, single submitter. Criteria: LabCorp Variant Classification Summary - May 2015. Collection method: clinical testing. Allele origin: germline.
Comment: Variant summary: ARHGAP31 c.3659G>A (p.Ser1220Asn) results in a conservative amino acid change in the encoded protein sequence. Five of five in-silico tools predict a benign effect of the variant on protein function. The variant was absent in 248928 control chromosomes. The available data on variant occurrences in the general population are insufficient to allow any conclusion about variant significance. To our knowledge, no occurrence of c.3659G>A in individuals affected with Adams-Oliver Syndrome 1 and no experimental evidence demonstrating its impact on protein function have been reported. No submitters have cited clinical-significance assessments for this variant to ClinVar after 2014. Based on the evidence outlined above, the variant was classified as uncertain significance.